The following is an entry in ClinVar:

NM_014639.4(SKIC3):c.3403A>G (p.Met1135Val)

Gene: SKIC3 (SKI3 subunit of superkiller complex; minus strand). Cytogenetic location: 5q15.
Variant type: single nucleotide variant.
Coding change: c.3403A>G on transcript NM_014639.4 (MANE Select); coding-DNA position 3403, A replaced by G.
Protein change: p.Met1135Val; replaces methionine 1135 with valine.
Molecular consequence: missense variant.
Genome position (GRCh38, 1-based): chr5:95,498,530, T>C on the plus strand (A>G on the coding strand, the complement: SKIC3 is on the minus strand). VCF-style: chr5-95498530-T-C. GRCh37 (hg19) VCF-style: chr5-94834234-T-C.
Other names: short protein forms M1135V.
Identifiers: ClinVar variation 1021773 (VCV001021773.9), dbSNP rs779697741, ClinGen allele CA3346730.
Genomic context (GRCh38, chr5:95,498,530, plus strand): 5'-TGTGTTTGATGTGCTTCAGTAACTCATTAAGTGCTGCTTTTGACAGTGTAGCATCCTGCA[T>C]TGCCAACCCTAGAGCACACAGGGCTTGAAGGCTTTCTGTGGTTGGTTCCTTTAAGATAGA-3'
Protein context (NP_055454.1, residues 1125-1145): LQALCALGLA[Met1135Val]QDATLSKAAL

ClinVar aggregate classification (germline): Uncertain significance (1 of 4 stars; one submission).

Allele frequency attached by ClinVar (database versions not stated): gnomAD exomes below 0.00001 and 0.00001; TOPMed below 0.00001; ExAC 0.00001.
gnomAD v4.1: 12 of 1,614,240 alleles (0.00074%); highest among the groups gnomAD compares: African/African-American, 0.0013%; no homozygotes.

Submission:

Labcorp Genetics (formerly Invitae), Labcorp
Classification: Uncertain significance. Last evaluated: 2024-10-29. Review status: criteria provided, single submitter. Criteria: Invitae Variant Classification Sherloc (09022015). Collection method: clinical testing. Allele origin: germline.
Comment: This sequence change replaces methionine, which is neutral and non-polar, with valine, which is neutral and non-polar, at codon 1135 of the TTC37 protein (p.Met1135Val). This variant is present in population databases (rs779697741, gnomAD 0.0009%). This variant has not been reported in the literature in individuals affected with TTC37-related conditions. ClinVar contains an entry for this variant (Variation ID: 1021773). An algorithm developed to predict the effect of missense changes on protein structure and function outputs the following: PolyPhen-2: "Benign". The valine amino acid residue is found in multiple mammalian species, which suggests that this missense change does not adversely affect protein function. In summary, the available evidence is currently insufficient to determine the role of this variant in disease. Therefore, it has been classified as a Variant of Uncertain Significance.